The following is an entry in ClinVar:

NM_198525.3(KIF7):c.1180C>T (p.Pro394Ser)

Gene: KIF7 (kinesin family member 7; minus strand). Cytogenetic location: 15q26.1.
Variant type: single nucleotide variant.
Coding change: c.1180C>T on transcript NM_198525.3 (MANE Select); coding-DNA position 1180, C replaced by T.
Protein change: p.Pro394Ser; replaces proline 394 with serine.
Molecular consequence: missense variant.
Genome position (GRCh38, 1-based): chr15:89,648,518, G>A on the plus strand (C>T on the coding strand, the complement: KIF7 is on the minus strand). VCF-style: chr15-89648518-G-A. GRCh37 (hg19) VCF-style: chr15-90191749-G-A.
Other names: short protein forms P394S.
Identifiers: ClinVar variation 1033263 (VCV001033263.7), dbSNP rs1298790380, ClinGen allele CA393772043.

ClinVar aggregate classification (germline): Uncertain significance. Review status: criteria provided, multiple submitters, no conflicts (2 of 4 stars). 3 submissions from 3 submitters: Uncertain significance (3). Last evaluated 2023-02-15.

Conditions:
Multiple epiphyseal dysplasia, Al-Gazali type. Also called: Macrocephaly with multiple epiphyseal dysplasia and distinctive facies. Identifiers: Orphanet 166024, MedGen C1846722, MONDO:0011778, OMIM 607131.
Acrocallosal syndrome (ACLS). Also called: Schinzel syndrome 1; Absence of corpus callosum with unusual facial appearance, mental deficiency, duplication of the halluces and polydactyly; HALLUX DUPLICATION, POSTAXIAL POLYDACTYLY, AND ABSENCE OF CORPUS CALLOSUM. Identifiers: Orphanet 36, MedGen C0796147, MONDO:0008708, OMIM 200990.

Allele frequency attached by ClinVar (database versions not stated): TOPMed below 0.00001; gnomAD 0.00001; gnomAD exomes 0.00002.

Submissions (3):

GeneDx
Classification: Uncertain significance. Last evaluated: 2023-02-15. Review status: criteria provided, single submitter. Criteria: GeneDx Variant Classification Process June 2021. Collection method: clinical testing. Allele origin: germline. Affected: yes.
Comment: Not observed at significant frequency in large population cohorts (gnomAD); In silico analysis supports that this missense variant does not alter protein structure/function; Has not been previously published as pathogenic or benign to our knowledge

Labcorp Genetics (formerly Invitae), Labcorp
Classification: Uncertain significance for Acrocallosal syndrome. Last evaluated: 2022-09-01. Review status: criteria provided, single submitter. Criteria: Invitae Variant Classification Sherloc (09022015). Collection method: clinical testing. Allele origin: germline.
Comment: In summary, the available evidence is currently insufficient to determine the role of this variant in disease. Therefore, it has been classified as a Variant of Uncertain Significance. Algorithms developed to predict the effect of missense changes on protein structure and function are either unavailable or do not agree on the potential impact of this missense change (SIFT: "Tolerated"; PolyPhen-2: "Probably Damaging"; Align-GVGD: "Class C0"). ClinVar contains an entry for this variant (Variation ID: 1033263). This variant has not been reported in the literature in individuals affected with KIF7-related conditions. The frequency data for this variant in the population databases is considered unreliable, as metrics indicate insufficient coverage at this position in the gnomAD database. This sequence change replaces proline, which is neutral and non-polar, with serine, which is neutral and polar, at codon 394 of the KIF7 protein (p.Pro394Ser).

Baylor Genetics
Classification: Uncertain significance for Multiple epiphyseal dysplasia, Al-Gazali type. Last evaluated: 2018-02-05. Review status: criteria provided, single submitter. Criteria: ACMG Guidelines, 2015. Collection method: clinical testing. Allele origin: maternal. Affected: yes.
Comment: This variant was determined to be of uncertain significance according to ACMG Guidelines, 2015 [PMID:25741868].